The following is an entry in ClinVar:

ClinVar aggregate classification (germline): Uncertain significance (1 of 4 stars; one submission).

Conditions:
Ehlers-Danlos syndrome, type 4 (EDSVASC). Also called: Ehlers-Danlos Syndrome Type IV; Ehlers-Danlos syndrome vascular type; Ehlers Danlos syndrome, ecchymotic type; Ehlers Danlos syndrome, arterial type; Ehlers Danlos syndrome, Sack-Barabas type. Identifiers: Orphanet 286, MedGen C0268338, MONDO:0017314, OMIM 130050.

Submission:

All of Us Research Program, National Institutes of Health
Classification: Uncertain significance for Ehlers-Danlos syndrome, type 4. Last evaluated: 2023-04-27. Review status: criteria provided, single submitter. Criteria: ACMG Guidelines, 2015. Collection method: clinical testing. Allele origin: germline. Inheritance: Autosomal dominant inheritance. Observed: 1 variant allele, 1 heterozygote.
Comment: This study involves interpretation of variants in research participants for the purpose of population health screening. Participant phenotype was not available at the time of variant classification. Additional details can be found in publication PMID: 35346344, PMCID: PMC8962531

NM_000090.4(COL3A1):c.2515C>T (p.Pro839Ser)

Gene: COL3A1 (collagen type III alpha 1 chain; plus strand). Cytogenetic location: 2q32.2.
Variant type: single nucleotide variant.
Coding change: c.2515C>T on transcript NM_000090.4 (MANE Select); coding-DNA position 2515, C replaced by T.
Protein change: p.Pro839Ser; replaces proline 839 with serine.
Molecular consequence: missense variant.
Genome position (GRCh38, 1-based): chr2:189,003,024, C>T. VCF-style: chr2-189003024-C-T. GRCh37 (hg19) VCF-style: chr2-189867750-C-T.
Other names: short protein forms P839S.
Identifiers: ClinVar variation 3069275 (VCV003069275.1), dbSNP rs2469150742, ClinGen allele CA349842835.